The following is an entry in ClinVar:

NM_033056.4(PCDH15):c.4837G>A (p.Gly1613Arg)

Gene: PCDH15 (protocadherin related 15; minus strand). Cytogenetic location: 10q21.1.
Variant type: single nucleotide variant.
Coding change: c.4837G>A on transcript NM_033056.4 (MANE Plus Clinical); coding-DNA position 4837, G replaced by A.
Protein change: p.Gly1613Arg; replaces glycine 1613 with arginine.
Molecular consequence: missense variant. On other transcripts: intron variant (8).
Genome position (GRCh38, 1-based): chr10:53,822,889, C>T on the plus strand (G>A on the coding strand, the complement: PCDH15 is on the minus strand). VCF-style: chr10-53822889-C-T. GRCh37 (hg19) VCF-style: chr10-55582649-C-T.
Other names: c.4409+2247G>A (NM_001142769.3); c.4858G>A, p.Gly1620Arg (NM_001142763.2); c.4843G>A, p.Gly1615Arg (NM_001142764.2); c.4630G>A, p.Gly1544Arg (NM_001142765.2); c.4828G>A, p.Gly1610Arg (NM_001142766.2); c.4717G>A, p.Gly1573Arg (NM_001142767.2); c.4777G>A, p.Gly1593Arg (NM_001142768.2); c.4768G>A, p.Gly1590Arg (NM_001142773.2); and 6 more; short protein forms G1613R, G1620R, G1593R, G1610R, G1544R, G1573R, G1590R, G1615R.
Identifiers: ClinVar variation 227841 (VCV000227841.8), dbSNP rs876657563, ClinGen allele CA10576791.
Genomic context (GRCh38, chr10:53,822,889, plus strand): 5'-AATTTGCCTCTTCAGTTGTAAGCAATGGATTGCTGCTACCTCTTTTGTTTGTACAGATTC[C>T]AGTGTTTTCATTTTCAGCTTTCTGCCTGGTGCCTTGCCACTGCTGCAGATCTATGATCTC-3'
Protein context (NP_149045.3, residues 1603-1623): TRQKAENENT[Gly1613Arg]ICTNKRGSSN

ClinVar aggregate classification (germline): Conflicting classifications of pathogenicity. Review status: criteria provided, conflicting classifications (1 of 4 stars). 4 submissions from 4 submitters: Uncertain significance (2); Likely benign (2). Last evaluated 2026-01-09.

Conditions:
Inborn genetic diseases. Identifiers: MedGen C0950123, MeSH D030342.

Allele frequency attached by ClinVar (database versions not stated): gnomAD exomes below 0.00001 and 0.00001; gnomAD 0.00004 and 0.00003; TOPMed 0.00003.
gnomAD v4.1: 10 of 1,613,828 alleles (0.00062%); highest among the groups gnomAD compares: African/African-American, 0.012%; no homozygotes.

Submissions (4):

Labcorp Genetics (formerly Invitae), Labcorp
Classification: Likely benign. Last evaluated: 2026-01-09. Review status: criteria provided, single submitter. Criteria: Invitae Variant Classification Sherloc (09022015). Collection method: clinical testing. Allele origin: germline.

GeneDx
Classification: Uncertain significance. Last evaluated: 2025-02-05. Review status: criteria provided, single submitter. Criteria: GeneDx Variant Classification Process June 2021. Collection method: clinical testing. Allele origin: germline. Affected: yes.
Comment: In silico analysis indicates that this missense variant does not alter protein structure/function; Has not been previously published as pathogenic or benign to our knowledge

Ambry Genetics
Classification: Uncertain significance for Inborn genetic diseases. Last evaluated: 2023-10-24. Review status: criteria provided, single submitter. Criteria: Ambry Variant Classification Scheme 2023. Collection method: clinical testing. Allele origin: germline.

Laboratory for Molecular Medicine, Mass General Brigham Personalized Medicine
Classification: Likely benign. Last evaluated: 2015-04-30. Review status: criteria provided, single submitter. Criteria: LMM Criteria. Collection method: clinical testing. Allele origin: germline. Observed: 1 variant allele.
Comment: p.Gly1613Arg in exon 33 of PCDH15: This variant is not expected to have clinical significance due to a lack of conservation across species, including mammals. O f note, 8 mammals have an arginine (Arg) at this position despite high nearby am ino acid conservation. In addition, computational analyses do not suggest a high likelihood of impact to the protein.